The following is an entry in ClinVar:

NM_000260.4(MYO7A):c.1355dup (p.Cys453fs)

Gene: MYO7A (myosin VIIA; plus strand). Cytogenetic location: 11q13.5.
Variant type: Duplication.
Coding change: c.1355dup on transcript NM_000260.4 (MANE Select); coding-DNA position 1355, one base duplicated (T; older notation c.1355dupT).
Protein change: p.Cys453fs; shifts the reading frame from cysteine 453.
Molecular consequence: frameshift variant.
Genome position (GRCh38, 1-based): chr11:77,162,131, T duplicated. VCF-style (leftmost placement, unchanged base first): chr11-77162130-C-CT. GRCh37 (hg19) VCF-style: chr11-76873176-C-CT.
Other names: c.1355dup, p.Cys453fs (NM_001127180.2); c.1322dup, p.Cys442fs (NM_001369365.1); short protein forms C442fs, C453fs.
Identifiers: ClinVar variation 2431988 (VCV002431988.5), dbSNP rs2496867841, ClinGen allele CA2580084963.
Genomic context (GRCh38, chr11:77,162,130, plus strand): 5'-GCATGGTGGGGCCTGAACAACACCCTTACCCCATCCCTGTGCCCCTGCAGCTTTGAGCAG[C>CT]TCTGCATCAACTTCGCCAATGAGCACCTGCAGCAGTTCTTTGTGCGGCACGTGTTCAAGC-3'

ClinVar aggregate classification (germline): Pathogenic/Likely pathogenic. Review status: criteria provided, multiple submitters, no conflicts (2 of 4 stars). 2 submissions from 2 submitters: Pathogenic (1); Likely pathogenic (1). Last evaluated 2024-11-15.

Submissions (2):

Labcorp Genetics (formerly Invitae), Labcorp
Classification: Pathogenic. Last evaluated: 2024-11-15. Review status: criteria provided, single submitter. Criteria: Invitae Variant Classification Sherloc (09022015). Collection method: clinical testing. Allele origin: germline.
Comment: This sequence change creates a premature translational stop signal (p.Cys453Leufs*7) in the MYO7A gene. It is expected to result in an absent or disrupted protein product. Loss-of-function variants in MYO7A are known to be pathogenic (PMID: 8900236, 25404053). This variant is not present in population databases (gnomAD no frequency). This variant has not been reported in the literature in individuals affected with MYO7A-related conditions. ClinVar contains an entry for this variant (Variation ID: 2431988). For these reasons, this variant has been classified as Pathogenic.

Revvity Omics, Revvity
Classification: Likely pathogenic. Last evaluated: 2022-12-17. Review status: criteria provided, single submitter. Criteria: ACMG Guidelines, 2015. Collection method: clinical testing. Allele origin: germline.

Literature cited by the submitters: PubMed 8900236 (cited by Labcorp Genetics (formerly Invitae), Labcorp); PubMed 25404053 (cited by Labcorp Genetics (formerly Invitae), Labcorp).